The following is an entry in ClinVar:

Conditions:
Leigh syndrome (NULS). Also called: LEIGH SYNDROME, NUCLEAR; Leigh Disease; Subacute necrotizing encephalopathy; Necrotizing encephalopathy infantile subacute of Leigh; Leigh's necrotizing encephalopathy; Leigh's disease. Identifiers: Orphanet 506, MedGen C2931891, MONDO:0009723, OMIM 256000.

gnomAD v4.1: 18 of 1,613,464 alleles (0.0011%); highest among the groups gnomAD compares: Non-Finnish European, 0.0015%; no homozygotes.

Submission:

Mitochondrial Research Group, Murdoch Children's Research Institute
No classification provided (evidence only). Condition: Leigh syndrome. Last evaluated: 2019-01-07. Review status: no classification provided. Criteria: ACMG Guidelines, 2015. Collection method: research. Allele origin: not applicable. Inheritance: Autosomal recessive inheritance. Functional consequence: protein truncation.
Comment: This variant creates a premature stop codon, and causes C-terminal truncation of 61 amino acids, p.Arg225*. Western blotting of fibroblasts from the patient confirmed that the variant produces a stable truncated protein. BN-PAGE studies on patient fibroblasts showed that the steady-state level of assembled complex I was mildly reduced relative to control. Spectrophotometric analysis of OXPHOS enzymes demonstrated that complex I activity in patient fibroblasts was within the control reference range. Complementation studies using TIMMDC1 knockout HEK293T cells showed that overexpression of the TIMMDC1 p.(Arg225*) mutant was able to rescue a complex I assembly defect in the TIMMDC1 knockout cells equally as well as overexpression of wild-type protein. Examination of TIMMDC1 variants reported in gnomAD revealed that 50% of all nonsense and frameshift variants lay downstream of the p.(Arg225*) variant in the last 20% of the coding region, implying that the C-terminus of TIMMDC1 is enriched with protein-truncating variants at a population level. The data were initially interpreted to support a likely benign impact of the variant. However, following reviewer feedback on a manuscript we regard the evidence of a hypomorphic effect on some subunits, and limitations of overexpression studies to rescue phenotype, mean it is appropriate to reclassify the variant as a VUS.

"Uncertain significance" was previously submitted as the classification for the variant. However, the classification appeared to be based only on an observation of functional data so it was converted to no classification on 2025-07-30.

NM_016589.4(TIMMDC1):c.673C>T (p.Arg225Ter)

Gene: TIMMDC1 (translocase of inner mitochondrial membrane domain containing 1; plus strand). Cytogenetic location: 3q13.33.
Variant type: single nucleotide variant.
Coding change: c.673C>T on transcript NM_016589.4 (MANE Select); coding-DNA position 673, C replaced by T.
Protein change: p.Arg225Ter; replaces arginine 225 with a stop codon.
Molecular consequence: nonsense.
Genome position (GRCh38, 1-based): chr3:119,517,281, C>T. VCF-style: chr3-119517281-C-T. GRCh37 (hg19) VCF-style: chr3-119236128-C-T.
Other names: short protein forms R225*.
Identifiers: ClinVar variation 548447 (VCV000548447.4), dbSNP rs149481081, ClinGen allele CA2555332.